The following is an entry in ClinVar:

NM_000255.4(MMUT):c.1181dup (p.Leu394fs)

Gene: MMUT (methylmalonyl-CoA mutase; minus strand). Cytogenetic location: 6p12.3.
Variant type: Duplication.
Coding change: c.1181dup on transcript NM_000255.4 (MANE Select); coding-DNA position 1181, one base duplicated (T; older notation c.1181dupT).
Protein change: p.Leu394fs; shifts the reading frame from leucine 394.
Molecular consequence: frameshift variant.
Genome position (GRCh38, 1-based): chr6:49,451,617, A duplicated on the plus strand (T on the coding strand, the reverse complement: MMUT is on the minus strand); the first of 3 consecutive A bases (chr6:49,451,617-49,451,619); duplicating any one gives the same sequence. VCF-style (leftmost placement, unchanged base first): chr6-49451616-C-CA. GRCh37 (hg19) VCF-style: chr6-49419329-C-CA.
Other names: short protein forms L394fs.
Identifiers: ClinVar variation 222930 (VCV000222930.7), dbSNP rs879253841, ClinGen allele CA10575868.

ClinVar aggregate classification (germline): Pathogenic. Review status: criteria provided, multiple submitters, no conflicts (2 of 4 stars). 2 submissions from 2 submitters: Pathogenic (2). Last evaluated 2023-08-10.

Conditions:
Methylmalonic aciduria due to methylmalonyl-CoA mutase deficiency (MAMM). Also called: Methylmalonic aciduria, mut type. Identifiers: Orphanet 27, MedGen C1855114, MONDO:0009612, OMIM 251000.

Submissions (2):

Labcorp Genetics (formerly Invitae), Labcorp
Classification: Pathogenic. Last evaluated: 2023-08-10. Review status: criteria provided, single submitter. Criteria: Invitae Variant Classification Sherloc (09022015). Collection method: clinical testing. Allele origin: germline.
Comment: This sequence change creates a premature translational stop signal (p.Leu394Phefs*30) in the MUT gene. It is expected to result in an absent or disrupted protein product. Loss-of-function variants in MUT are known to be pathogenic (PMID: 15781192). This variant is not present in population databases (gnomAD no frequency). This premature translational stop signal has been observed in individual(s) with methylmalonic acidemia (PMID: 26270765). ClinVar contains an entry for this variant (Variation ID: 222930). For these reasons, this variant has been classified as Pathogenic.

University Children's Hospital, University of Zurich
Classification: Pathogenic for Methylmalonic aciduria due to methylmalonyl-CoA mutase deficiency. Review status: criteria provided, single submitter. Criteria: Forny et al. (Hum Mutat. 2016). Collection method: clinical testing. Allele origin: germline. Inheritance: Autosomal recessive inheritance. Affected: yes.

Literature cited by the submitters: PubMed 15781192 (cited by Labcorp Genetics (formerly Invitae), Labcorp); PubMed 26270765 (cited by Labcorp Genetics (formerly Invitae), Labcorp); PubMed 25736335 (cited by University Children's Hospital, University of Zurich).